The following is an entry in ClinVar:

NM_014251.3(SLC25A13):c.66_67insC (p.Lys23fs)

Gene: SLC25A13 (solute carrier family 25 member 13; minus strand). Cytogenetic location: 7q21.3.
Variant type: Insertion.
Coding change: c.66_67insC on transcript NM_014251.3 (MANE Select); coding-DNA positions 66 to 67, C inserted.
Protein change: p.Lys23fs; shifts the reading frame from lysine 23.
Molecular consequence: frameshift variant. On other transcripts: non-coding transcript variant (1).
Genome position: GRCh38 VCF-style: chr7-96296900-T-TG. GRCh37 (hg19) VCF-style: chr7-95926212-T-TG.
Other names: c.66_67insC (NM_014251.2); c.66_67insC, p.Lys23fs (NM_001160210.2); short protein forms K23fs.
Identifiers: ClinVar variation 1069995 (VCV001069995.8), dbSNP rs1255908000, ClinGen allele CA576588165.
Genomic context (GRCh38, chr7:96,296,900, plus strand): 5'-TTTAAAAGTTATAGAACACAAATCAAACAAGAAACAAAATAGATTCCTTTATACTGACCT[T>TG]CAAAAATATTGTTCTAAGCTCAGCTGGATCTGCTCTCTTGGTTAAAGCCACCTATAAATA-3'

ClinVar aggregate classification (germline): Pathogenic/Likely pathogenic. Review status: criteria provided, multiple submitters, no conflicts (2 of 4 stars). 2 submissions from 2 submitters: Pathogenic (1); Likely pathogenic (1). Last evaluated 2024-09-08.

Conditions:
Citrullinemia. Identifiers: Orphanet 187, MedGen C0175683, MONDO:0015991.
Citrin deficiency. Identifiers: Orphanet 247582, MedGen C1997910, MONDO:0016602.

Allele frequency attached by ClinVar (database versions not stated): gnomAD exomes below 0.00001; TOPMed 0.00001.

Submissions (2):

Natera, Inc.
Classification: Likely pathogenic for Citrullinemia. Last evaluated: 2024-09-08. Review status: criteria provided, single submitter. Criteria: Natera Variant Classification Schema (03/2026). Collection method: clinical testing. Allele origin: germline.
Comment: The c.66_67insC variant in SLC25A13 is a frameshift variant predicted to shift the reading frame beginning at codon 23 and leads to a stop codon 6 codons downstream. This variant is expected to result in nonsense mediated decay, truncation, or a dysfunctional protein product. This variant is rare in the general population with a frequency below the threshold expected for the associated phenotype(s). Given the available evidence, this variant is classified as Likely Pathogenic.

Labcorp Genetics (formerly Invitae), Labcorp
Classification: Pathogenic for Citrin deficiency. Last evaluated: 2021-05-18. Review status: criteria provided, single submitter. Criteria: Invitae Variant Classification Sherloc (09022015). Collection method: clinical testing. Allele origin: germline.
Comment: This variant has not been reported in the literature in individuals with SLC25A13-related conditions. For these reasons, this variant has been classified as Pathogenic. This variant is not present in population databases (ExAC no frequency). This sequence change creates a premature translational stop signal (p.Lys23Glnfs*6) in the SLC25A13 gene. It is expected to result in an absent or disrupted protein product. Loss-of-function variants in SLC25A13 are known to be pathogenic (PMID: 10369257, 14680984, 27405544).

Literature cited by the submitters: PubMed 10369257 (cited by Labcorp Genetics (formerly Invitae), Labcorp); PubMed 14680984 (cited by Labcorp Genetics (formerly Invitae), Labcorp); PubMed 27405544 (cited by Labcorp Genetics (formerly Invitae), Labcorp).